The following is an entry in ClinVar:

NM_000038.6(APC):c.2869A>C (p.Lys957Gln)

Gene: APC (APC regulator of Wnt signaling pathway; plus strand). Cytogenetic location: 5q22.2.
Variant type: single nucleotide variant.
Coding change: c.2869A>C on transcript NM_000038.6 (MANE Select); coding-DNA position 2869, A replaced by C.
Protein change: p.Lys957Gln; replaces lysine 957 with glutamine.
Molecular consequence: missense variant. On other transcripts: non-coding transcript variant (2).
Genome position (GRCh38, 1-based): chr5:112,838,463, A>C. VCF-style: chr5-112838463-A-C. GRCh37 (hg19) VCF-style: chr5-112174160-A-C.
Other names: c.2953A>C, p.Lys985Gln (NM_001407446.1); c.2923A>C, p.Lys975Gln (NM_001407447.1, NM_001407448.1, NM_001407449.1 and 1 more transcripts); c.2869A>C, p.Lys957Gln (NM_001407450.1, NM_001127510.3, NM_001354895.2); c.2848A>C, p.Lys950Gln (NM_001407451.1); c.2839A>C, p.Lys947Gln (NM_001407452.1); c.2692A>C, p.Lys898Gln (NM_001407453.1, NM_001354901.2); c.2620A>C, p.Lys874Gln (NM_001407454.1, NM_001407455.1, NM_001407456.1 and 1 more transcripts); c.2815A>C, p.Lys939Gln (NM_001127511.3); and 11 more; short protein forms K674Q, K828Q, K929Q, K932Q, K950Q, K957Q, K967Q, K797Q.
Identifiers: ClinVar variation 4825035 (VCV004825035.1).
Genomic context (GRCh38, chr5:112,838,463, plus strand): 5'-TTCACTAAGTCGGAAAATTCAAATAGGACATGTTCTATGCCTTATGCCAAATTAGAATAC[A>C]AGAGATCTTCAAATGATAGTTTAAATAGTGTCAGTAGTAGTGATGGTTATGGTAAAAGAG-3'
Protein context (NP_000029.2, residues 947-967): CSMPYAKLEY[Lys957Gln]RSSNDSLNSV

ClinVar aggregate classification (germline): Uncertain significance (1 of 4 stars; one submission).

Conditions:
Hereditary cancer-predisposing syndrome. Also called: Neoplastic Syndromes, Hereditary; Tumor predisposition; Hereditary Cancer Syndrome; Hereditary neoplastic syndrome. Identifiers: Orphanet 140162, MedGen C0027672, MeSH D009386, MONDO:0015356.

Submission:

Ambry Genetics
Classification: Uncertain significance for Hereditary cancer-predisposing syndrome. Last evaluated: 2026-01-20. Review status: criteria provided, single submitter. Criteria: Ambry Variant Classification Scheme 2023. Collection method: clinical testing. Allele origin: germline.
Comment: The p.K957Q variant (also known as c.2869A>C), located in coding exon 15 of the APC gene, results from an A to C substitution at nucleotide position 2869. The lysine at codon 957 is replaced by glutamine, an amino acid with similar properties. This amino acid position is conserved. In addition, in silico predictors for this gene do not accurately predict pathogenicity. Based on the available evidence, the clinical significance of this variant remains unclear.